The following is an entry in ClinVar:

ClinVar aggregate classification (germline): Uncertain significance. Review status: reviewed by expert panel (3 of 4 stars). 2 submissions from 2 submitters: Uncertain significance (1). 1 of the submissions does not count toward it. Last evaluated 2025-03-26.

Conditions:
Inborn genetic diseases. Identifiers: MedGen C0950123, MeSH D030342.
Hereditary thrombocytopenia and hematologic cancer predisposition syndrome. Identifiers: Orphanet 71290, MedGen CN281654, MONDO:0011071.

Submissions (2):

ClinGen Myeloid Malignancy Variant Curation Expert Panel
Classification: Uncertain significance for Hereditary thrombocytopenia and hematologic cancer predisposition syndrome. Last evaluated: 2025-03-26. Review status: reviewed by expert panel. Criteria: ClinGen MyeloMalig ACMG Specifications v2. Collection method: curation. Allele origin: germline. Inheritance: Autosomal dominant inheritance.
Comment: NM_001754.5(RUNX1):c.206G>C (p.Gly69Ala) is a missense variant which has a REVEL score < 0.50 (0.472) and a SpliceAI score ≤ 0.20 (0.01) (BP4). This variant is completely absent from all population databases with at least 20x coverage for RUNX1 (PM2_supporting). In summary, the clinical significance of this variant is uncertain. ACMG/AMP criteria applied, as specified by the Myeloid Malignancy Variant Curation Expert Panel for RUNX1: BP4, PM2_supporting.

Ambry Genetics
Classification: Uncertain significance for Inborn genetic diseases. Last evaluated: 2024-11-30. Review status: criteria provided, single submitter. Criteria: Ambry Variant Classification Scheme 2023. Collection method: clinical testing. Allele origin: germline. Not counted in ClinVar's aggregate classification.
Comment: The p.G69A variant (also known as c.206G>C), located in coding exon 3 of the RUNX1 gene, results from a G to C substitution at nucleotide position 206. The glycine at codon 69 is replaced by alanine, an amino acid with similar properties. This amino acid position is conserved. In addition, the in silico prediction for this alteration is inconclusive. Based on the available evidence, the clinical significance of this variant remains unclear.

NM_001754.5(RUNX1):c.206G>C (p.Gly69Ala)

Gene: RUNX1 (RUNX family transcription factor 1; minus strand). Cytogenetic location: 21q22.12.
Variant type: single nucleotide variant.
Coding change: c.206G>C on transcript NM_001754.5 (MANE Select); coding-DNA position 206, G replaced by C.
Protein change: p.Gly69Ala; replaces glycine 69 with alanine.
Molecular consequence: missense variant.
Genome position (GRCh38, 1-based): chr21:34,886,988, C>G on the plus strand (G>C on the coding strand, the complement: RUNX1 is on the minus strand). VCF-style: chr21-34886988-C-G. GRCh37 (hg19) VCF-style: chr21-36259285-C-G.
Other names: NM_001754.5(RUNX1):c.206G>C; p.Gly69Ala; c.125G>C, p.Gly42Ala (NM_001001890.3, NM_001122607.2); short protein forms G42A, G69A.
Identifiers: ClinVar variation 3436407 (VCV003436407.2).